The following is an entry in ClinVar:

ClinVar aggregate classification (germline): Likely pathogenic (1 of 4 stars; one submission).

Conditions:
Alagille syndrome due to a JAG1 point mutation. Also called: Alagille Syndrome 1; JAG1-Related Alagille Syndrome; HEPATIC DUCTULAR HYPOPLASIA, SYNDROMATIC. Identifiers: Orphanet 261619, Orphanet 52, MedGen C1956125, MONDO:0016862, OMIM 118450.

Submission:

3billion
Classification: Likely pathogenic for Alagille syndrome due to a JAG1 point mutation. Last evaluated: 2025-10-23. Review status: criteria provided, single submitter. Criteria: ACMG Guidelines, 2015. Collection method: clinical testing. Allele origin: germline. Affected: yes.
Comment: The variant is not observed in the gnomAD v4.1.0 dataset. Predicted Consequence/Location: Frameshift: predicted to result in a loss or disruption of normal protein function through protein truncation. The predicted truncated protein may be shortened by more than 10%. Therefore, this variant is classified as Likely pathogenic according to the recommendation of ACMG/AMP guideline.

NM_000214.3(JAG1):c.3241dup (p.Trp1081fs)

Gene: JAG1 (jagged canonical Notch ligand 1; minus strand). Cytogenetic location: 20p12.2.
Variant type: Duplication.
Coding change: c.3241dup on transcript NM_000214.3 (MANE Select); coding-DNA position 3241, one base duplicated (T; older notation c.3241dupT).
Protein change: p.Trp1081fs; shifts the reading frame from tryptophan 1081.
Molecular consequence: frameshift variant.
Genome position (GRCh38, 1-based): chr20:10,639,914, A duplicated on the plus strand (T on the coding strand, the reverse complement: JAG1 is on the minus strand); the first of 2 consecutive A bases (chr20:10,639,914-10,639,915); duplicating either gives the same sequence. VCF-style (leftmost placement, unchanged base first): chr20-10639913-C-CA. GRCh37 (hg19) VCF-style: chr20-10620561-C-CA.
Other names: short protein forms W1081fs.
Identifiers: ClinVar variation 4854756 (VCV004854756.1).